The following is an entry in ClinVar:

NM_198578.4(LRRK2):c.6778A>C (p.Lys2260Gln)

Gene: LRRK2 (leucine rich repeat kinase 2; plus strand). Cytogenetic location: 12q12.
Variant type: single nucleotide variant.
Coding change: c.6778A>C on transcript NM_198578.4 (MANE Select); coding-DNA position 6778, A replaced by C.
Protein change: p.Lys2260Gln; replaces lysine 2260 with glutamine.
Molecular consequence: missense variant.
Genome position (GRCh38, 1-based): chr12:40,356,122, A>C. VCF-style: chr12-40356122-A-C. GRCh37 (hg19) VCF-style: chr12-40749924-A-C.
Other names: short protein forms K2260Q.
Identifiers: ClinVar variation 3229755 (VCV003229755.1), dbSNP rs2500000377, ClinGen allele CA384410000.

ClinVar aggregate classification (germline): Uncertain significance (1 of 4 stars; one submission).

Conditions:
Inborn genetic diseases. Identifiers: MedGen C0950123, MeSH D030342.

Submission:

Ambry Genetics
Classification: Uncertain significance for Inborn genetic diseases. Last evaluated: 2023-10-12. Review status: criteria provided, single submitter. Criteria: Ambry Variant Classification Scheme 2023. Collection method: clinical testing. Allele origin: germline.
Comment: The p.K2260Q variant (also known as c.6778A>C), located in coding exon 46 of the LRRK2 gene, results from an A to C substitution at nucleotide position 6778. The lysine at codon 2260 is replaced by glutamine, an amino acid with similar properties. This amino acid position is conserved. In addition, this alteration is predicted to be tolerated by in silico analysis. Since supporting evidence is limited at this time, the clinical significance of this alteration remains unclear.